The following is an entry in ClinVar:

ClinVar aggregate classification (germline): Uncertain significance (1 of 4 stars; one submission).

Submission:

GeneDx
Classification: Uncertain significance. Last evaluated: 2022-01-26. Review status: criteria provided, single submitter. Criteria: GeneDx Variant Classification Process June 2021. Collection method: clinical testing. Allele origin: germline. Affected: yes.
Comment: Not observed at significant frequency in large population cohorts (gnomAD); In silico analysis supports that this missense variant has a deleterious effect on protein structure/function; Has not been previously published as pathogenic or benign to our knowledge

NM_003036.4(SKI):c.674T>G (p.Phe225Cys)

Gene: SKI (SKI proto-oncogene; plus strand). Cytogenetic location: 1p36.33.
Variant type: single nucleotide variant.
Coding change: c.674T>G on transcript NM_003036.4 (MANE Select); coding-DNA position 674, T replaced by G.
Protein change: p.Phe225Cys; replaces phenylalanine 225 with cysteine.
Molecular consequence: missense variant.
Genome position (GRCh38, 1-based): chr1:2,229,440, T>G. VCF-style: chr1-2229440-T-G. GRCh37 (hg19) VCF-style: chr1-2160879-T-G.
Other names: short protein forms F225C.
Identifiers: ClinVar variation 1699754 (VCV001699754.2), dbSNP rs2100790704, ClinGen allele CA337954654.